The following is an entry in ClinVar:

NM_031483.7(ITCH):c.638C>T (p.Pro213Leu)

Gene: ITCH (itchy E3 ubiquitin protein ligase; plus strand). Cytogenetic location: 20q11.22.
Variant type: single nucleotide variant.
Coding change: c.638C>T on transcript NM_031483.7 (MANE Select); coding-DNA position 638, C replaced by T.
Protein change: p.Pro213Leu; replaces proline 213 with leucine.
Molecular consequence: missense variant.
Genome position (GRCh38, 1-based): chr20:34,438,590, C>T. VCF-style: chr20-34438590-C-T. GRCh37 (hg19) VCF-style: chr20-33026395-C-T.
Other names: c.761C>T, p.Pro254Leu (NM_001257137.3, NM_001324197.2); c.308C>T, p.Pro103Leu (NM_001257138.3); c.638C>T, p.Pro213Leu (NM_001324198.2); short protein forms P103L, P213L, P254L.
Identifiers: ClinVar variation 1713279 (VCV001713279.5), dbSNP rs1983336913, ClinGen allele CA408662738.

ClinVar aggregate classification (germline): Uncertain significance (1 of 4 stars; one submission).

Conditions:
Syndromic multisystem autoimmune disease due to ITCH deficiency. Also called: AUTOIMMUNE DISEASE, MULTISYSTEM, WITH FACIAL DYSMORPHISM. Identifiers: Orphanet 228426, MedGen C3150649, MONDO:0013245, OMIM 613385.

Submission:

Labcorp Genetics (formerly Invitae), Labcorp
Classification: Uncertain significance for Syndromic multisystem autoimmune disease due to ITCH deficiency. Last evaluated: 2022-07-14. Review status: criteria provided, single submitter. Criteria: Invitae Variant Classification Sherloc (09022015). Collection method: clinical testing. Allele origin: germline.
Comment: Algorithms developed to predict the effect of missense changes on protein structure and function are either unavailable or do not agree on the potential impact of this missense change (SIFT: "Not Available"; PolyPhen-2: "Benign"; Align-GVGD: "Not Available"). This sequence change replaces proline, which is neutral and non-polar, with leucine, which is neutral and non-polar, at codon 213 of the ITCH protein (p.Pro213Leu). This variant is not present in population databases (gnomAD no frequency). This variant has not been reported in the literature in individuals affected with ITCH-related conditions. In summary, the available evidence is currently insufficient to determine the role of this variant in disease. Therefore, it has been classified as a Variant of Uncertain Significance.